The following is an entry in ClinVar:

NM_177438.3(DICER1):c.4607G>T (p.Gly1536Val)

Gene: DICER1 (dicer 1, ribonuclease III; minus strand). Cytogenetic location: 14q32.13.
Variant type: single nucleotide variant.
Coding change: c.4607G>T on transcript NM_177438.3 (MANE Select); coding-DNA position 4607, G replaced by T.
Protein change: p.Gly1536Val; replaces glycine 1536 with valine.
Molecular consequence: missense variant. On other transcripts: non-coding transcript variant (6).
Genome position (GRCh38, 1-based): chr14:95,096,313, C>A on the plus strand (G>T on the coding strand, the complement: DICER1 is on the minus strand). VCF-style: chr14-95096313-C-A. GRCh37 (hg19) VCF-style: chr14-95562650-C-A.
Other names: c.4607G>T, p.Gly1536Val (NM_001195573.1, NM_001271282.3, NM_001291628.2 and 13 more transcripts); c.4325G>T, p.Gly1442Val (NM_001395686.1); c.4202G>T, p.Gly1401Val (NM_001395687.1, NM_001395688.1, NM_001395689.1 and 2 more transcripts); c.4040G>T, p.Gly1347Val (NM_001395691.1); c.2924G>T, p.Gly975Val (NM_001395697.1); short protein forms G1347V, G1442V, G975V, G1401V, G1536V.
Identifiers: ClinVar variation 1741852 (VCV001741852.2), dbSNP rs1486849070, ClinGen allele CA390867701.

ClinVar aggregate classification (germline): Uncertain significance (1 of 4 stars; one submission).

Conditions:
Hereditary cancer-predisposing syndrome. Also called: Hereditary Cancer Syndrome; Hereditary neoplastic syndrome; Neoplastic Syndromes, Hereditary; Tumor predisposition. Identifiers: Orphanet 140162, MedGen C0027672, MeSH D009386, MONDO:0015356.

Submission:

Ambry Genetics
Classification: Uncertain significance for Hereditary cancer-predisposing syndrome. Last evaluated: 2020-01-15. Review status: criteria provided, single submitter. Criteria: Ambry Variant Classification Scheme 2023. Collection method: clinical testing. Allele origin: germline.
Comment: The p.G1536V variant (also known as c.4607G>T), located in coding exon 22 of the DICER1 gene, results from a G to T substitution at nucleotide position 4607. The glycine at codon 1536 is replaced by valine, an amino acid with dissimilar properties. This amino acid position is highly conserved in available vertebrate species. In addition, this alteration is predicted to be deleterious by in silico analysis. Since supporting evidence is limited at this time, the clinical significance of this alteration remains unclear.